The following is an entry in ClinVar:

NM_000052.7(ATP7A):c.1867G>C (p.Glu623Gln)

Gene: ATP7A (ATPase copper transporting alpha; plus strand). Cytogenetic location: Xq21.1.
Variant type: single nucleotide variant.
Coding change: c.1867G>C on transcript NM_000052.7 (MANE Select); coding-DNA position 1867, G replaced by C.
Protein change: p.Glu623Gln; replaces glutamic acid 623 with glutamine.
Molecular consequence: missense variant.
Genome position (GRCh38, 1-based): chrX:78,009,261, G>C. VCF-style: chrX-78009261-G-C. GRCh37 (hg19) VCF-style: chrX-77264758-G-C.
Other names: c.1867G>C, p.Glu623Gln (NM_001282224.2); short protein forms E623Q.
Identifiers: ClinVar variation 2098786 (VCV002098786.4), dbSNP rs1382569560, ClinGen allele CA413597560.

ClinVar aggregate classification (germline): Uncertain significance (1 of 4 stars; one submission).

Conditions:
X-linked distal spinal muscular atrophy type 3. Also called: ATP7A-Related Distal Motor Neuropathy; SPINAL MUSCULAR ATROPHY, DISTAL, X-LINKED RECESSIVE; NEURONOPATHY, DISTAL HEREDITARY MOTOR, X-LINKED; NEUROPATHY, DISTAL HEREDITARY MOTOR, X-LINKED. Identifiers: Orphanet 139557, MedGen C1845359, MONDO:0010338, OMIM 300489.
Menkes kinky-hair syndrome (MNK). Also called: Copper transport disease; Menkes Disease; Classic Menkes Disease. Identifiers: Orphanet 565, MedGen C0022716, MONDO:0010651, OMIM 309400.
Cutis laxa, X-linked (OHS). Also called: EDS IX; Occipital horn syndrome. Identifiers: Orphanet 198, MedGen C0268353, MONDO:0010572, OMIM 304150.

Submission:

Labcorp Genetics (formerly Invitae), Labcorp
Classification: Uncertain significance for X-linked distal spinal muscular atrophy type 3; Cutis laxa, X-linked; Menkes kinky-hair syndrome. Last evaluated: 2022-02-18. Review status: criteria provided, single submitter. Criteria: Invitae Variant Classification Sherloc (09022015). Collection method: clinical testing. Allele origin: germline.
Comment: Algorithms developed to predict the effect of missense changes on protein structure and function output the following: SIFT: "Tolerated"; PolyPhen-2: "Benign"; Align-GVGD: "Class C0". The glutamine amino acid residue is found in multiple mammalian species, which suggests that this missense change does not adversely affect protein function. This variant has not been reported in the literature in individuals affected with ATP7A-related conditions. This variant is not present in population databases (gnomAD no frequency). This sequence change replaces glutamic acid, which is acidic and polar, with glutamine, which is neutral and polar, at codon 623 of the ATP7A protein (p.Glu623Gln). In summary, the available evidence is currently insufficient to determine the role of this variant in disease. Therefore, it has been classified as a Variant of Uncertain Significance.